The following is an entry in ClinVar:

ClinVar aggregate classification (germline): Likely pathogenic (1 of 4 stars; one submission).

Conditions:
Angelman syndrome (AS). Also called: HAPPY PUPPET SYNDROME. Identifiers: Orphanet 72, MedGen C0162635, MONDO:0007113, OMIM 105830. Disease mechanism: loss of function. Inheritance: AS is caused by disruption of maternally imprinted UBE3A located within the 15q11.2-q13 Angelman syndrome/Prader-Willi syndrome (AS/PWS) region., imprinting disorder.

Submission:

Broad Center for Mendelian Genomics, Broad Institute of MIT and Harvard
Classification: Likely pathogenic for Angelman syndrome. Last evaluated: 2026-03-02. Review status: criteria provided, single submitter. Criteria: ACMG Guidelines, 2015. Collection method: research. Allele origin: germline. Inheritance: Autosomal dominant inheritance.
Comment: The heterozygous p.Arg526Ter variant in UBE3A was identified in two siblings with features of Angelman syndrome via a collaborative study between the Broad Institute's Center for Mendelian Genomics and the NeuroDev Study. The p.Arg526Ter variant in UBE3A has not been previously reported in the literature in individuals with Angelman syndrome and was absent from large population studies. This variant leads to a premature termination codon at position 526, which is predicted to lead to a truncated or absent protein. Heterozygous loss of function of the UBE3A gene is an established disease mechanism in Angelman syndrome. In summary, although additional studies are required to fully establish its clinical significance, this variant is likely pathogenic for autosomal dominant Angelman syndrome. ACMG/AMP Criteria applied: PVS1, PM2_supporting (Richards 2015).

NM_130839.5(UBE3A):c.1576_1592del (p.Arg525_Arg526insTer)

Genes: SNHG14 (small nucleolar RNA host gene 14; plus strand), UBE3A (ubiquitin protein ligase E3A; minus strand). Cytogenetic location: 15q11.2.
Variant type: Deletion.
Coding change: c.1576_1592del on transcript NM_130839.5 (MANE Select); coding-DNA positions 1576 to 1592, 17 bases deleted (CGTGACCATATCATAGA).
Protein change: p.Arg525_Arg526insTer.
Molecular consequence: nonsense. On other transcripts: non-coding transcript variant (1), intron variant (2).
Genome position (GRCh38, 1-based): chr15:25,370,582-25,370,598, TCTATGATATGGTCACG deleted on the plus strand (CGTGACCATATCATAGA on the coding strand, the reverse complement: UBE3A is on the minus strand); deleting any 17 consecutive bases within chr15:25,370,582-25,370,602 gives the same sequence; the c. name uses the placement nearest the transcript's 3' end. VCF-style (leftmost placement, unchanged base first): chr15-25370581-ATCTATGATATGGTCACG-A. GRCh37 (hg19) VCF-style: chr15-25615728-ATCTATGATATGGTCACG-A.
Other names: NR_148916.2:n.2092_2108del; c.1516_1532del, p.Arg505_Arg506insTer (NM_001354512.2, NM_001354513.2, NM_001354523.2 and 17 more transcripts); c.1576_1592del, p.Arg525_Arg526insTer (NM_001354538.2, NM_001354545.2, NM_001354505.1); c.1399_1415del, p.Arg466_Arg467insTer (NM_001354546.2); c.301+4867_301+4883del (NM_001354551.2); c.361+4867_361+4883del (NM_001354550.2); c.1585_1601del, p.Arg528_Arg529insTer (NM_000462.5).
Identifiers: ClinVar variation 4819461 (VCV004819461.1).